The following is an entry in ClinVar:

ClinVar aggregate classification (germline): Uncertain significance. Review status: criteria provided, multiple submitters, no conflicts (2 of 4 stars). 2 submissions from 2 submitters: Uncertain significance (2). Last evaluated 2025-12-04.

Conditions:
Inborn genetic diseases. Identifiers: MedGen C0950123, MeSH D030342.

Allele frequency attached by ClinVar (database versions not stated): gnomAD exomes 0.00001.
gnomAD v4.1: 3 of 1,210,081 alleles (0.00025%); highest among the groups gnomAD compares: Non-Finnish European, 0.00034%; no homozygotes.

Submissions (2):

Ambry Genetics
Classification: Uncertain significance for Inborn genetic diseases. Last evaluated: 2025-12-04. Review status: criteria provided, single submitter. Criteria: Ambry Variant Classification Scheme 2023. Collection method: clinical testing. Allele origin: germline.

GeneDx
Classification: Uncertain significance. Last evaluated: 2022-08-30. Review status: criteria provided, single submitter. Criteria: GeneDx Variant Classification Process June 2021. Collection method: clinical testing. Allele origin: germline. Affected: yes.
Comment: Not observed at significant frequency in large population cohorts (gnomAD); In silico analysis supports that this missense variant does not alter protein structure/function; Has not been previously published as pathogenic or benign to our knowledge

NM_031407.7(HUWE1):c.10064G>A (p.Arg3355Gln)

Gene: HUWE1 (HECT, UBA and WWE domain containing E3 ubiquitin protein ligase 1; minus strand). Cytogenetic location: Xp11.22.
Variant type: single nucleotide variant.
Coding change: c.10064G>A on transcript NM_031407.7 (MANE Select); coding-DNA position 10064, G replaced by A.
Protein change: p.Arg3355Gln; replaces arginine 3355 with glutamine.
Molecular consequence: missense variant.
Genome position (GRCh38, 1-based): chrX:53,548,245, C>T on the plus strand (G>A on the coding strand, the complement: HUWE1 is on the minus strand). VCF-style: chrX-53548245-C-T. GRCh37 (hg19) VCF-style: chrX-53575206-C-T.
Other names: short protein forms R3355Q.
Identifiers: ClinVar variation 1331176 (VCV001331176.4), dbSNP rs926329085, ClinGen allele CA329187116.